The following is an entry in ClinVar:

NM_001211.6(BUB1B):c.221C>G (p.Pro74Arg)

Gene: BUB1B (BUB1 mitotic checkpoint serine/threonine kinase B; plus strand). Cytogenetic location: 15q15.1.
Variant type: single nucleotide variant.
Coding change: c.221C>G on transcript NM_001211.6 (MANE Select); coding-DNA position 221, C replaced by G.
Protein change: p.Pro74Arg; replaces proline 74 with arginine.
Molecular consequence: missense variant.
Genome position (GRCh38, 1-based): chr15:40,170,103, C>G. VCF-style: chr15-40170103-C-G. GRCh37 (hg19) VCF-style: chr15-40462304-C-G.
Other names: short protein forms P74R.
Identifiers: ClinVar variation 3262272 (VCV003262272.1).

ClinVar aggregate classification (germline): Uncertain significance (1 of 4 stars; one submission).

Conditions:
Inborn genetic diseases. Identifiers: MedGen C0950123, MeSH D030342.

Submission:

Ambry Genetics
Classification: Uncertain significance for Inborn genetic diseases. Last evaluated: 2024-06-03. Review status: criteria provided, single submitter. Criteria: Ambry Variant Classification Scheme 2023. Collection method: clinical testing. Allele origin: germline.
Comment: The p.P74R variant (also known as c.221C>G), located in coding exon 3 of the BUB1B gene, results from a C to G substitution at nucleotide position 221. The proline at codon 74 is replaced by arginine, an amino acid with dissimilar properties. This amino acid position is conserved. In addition, this alteration is predicted to be deleterious by in silico analysis. Based on the available evidence, the clinical significance of this variant remains unclear.